The following is an entry in ClinVar:

NM_001723.7(DST):c.5508A>G (p.Ile1836Met)

Gene: DST (dystonin; minus strand). Cytogenetic location: 6p12.1.
Variant type: single nucleotide variant.
Coding change: c.5508A>G on transcript NM_001723.7 (MANE Plus Clinical); coding-DNA position 5508, A replaced by G.
Protein change: p.Ile1836Met; replaces isoleucine 1836 with methionine.
Molecular consequence: missense variant. On other transcripts: intron variant (10).
Genome position (GRCh38, 1-based): chr6:56,618,526, T>C on the plus strand (A>G on the coding strand, the complement: DST is on the minus strand). VCF-style: chr6-56618526-T-C. GRCh37 (hg19) VCF-style: chr6-56483324-T-C.
Other names: c.4831-4042A>G (NM_001144769.5); c.4957-4042A>G (NM_001374734.1); c.4417-4042A>G (NM_001144770.2); c.4297-4042A>G (NM_001374730.1, NM_001386100.1, NM_183380.4 and 1 more transcripts); c.4930-4042A>G (NM_001374722.1, NM_001374736.1); c.3319-4042A>G (NM_015548.5); short protein forms I1836M.
Identifiers: ClinVar variation 864168 (VCV000864168.10), dbSNP rs1208195857, ClinGen allele CA364567212.

ClinVar aggregate classification (germline): Uncertain significance (1 of 4 stars; one submission).

Conditions:
Hereditary sensory and autonomic neuropathy type 6. Also called: HSAN VI; Neuropathy, hereditary sensory and autonomic, type VI. Identifiers: Orphanet 314381, MedGen C3539003, MONDO:0013839, OMIM 614653.
Epidermolysis bullosa simplex 3, localized or generalized intermediate, with BP230 deficiency (EBS3). Also called: Epidermolysis bullosa simplex, autosomal recessive 2; Epidermolysis bullosa simplex due to BP230 deficiency. Identifiers: Orphanet 412181, MedGen C3809470, MONDO:0014180, OMIM 615425.

Allele frequency attached by ClinVar (database versions not stated): TOPMed below 0.00001; gnomAD 0.00001; gnomAD exomes 0.00001.
gnomAD v4.1: 7 of 1,614,114 alleles (0.00043%); highest among the groups gnomAD compares: Non-Finnish European, 0.00059%; no homozygotes.

Submission:

Labcorp Genetics (formerly Invitae), Labcorp
Classification: Uncertain significance for Epidermolysis bullosa simplex 3, localized or generalized intermediate, with BP230 deficiency; Hereditary sensory and autonomic neuropathy type 6. Last evaluated: 2022-07-06. Review status: criteria provided, single submitter. Criteria: Invitae Variant Classification Sherloc (09022015). Collection method: clinical testing. Allele origin: germline.
Comment: This sequence change replaces isoleucine, which is neutral and non-polar, with methionine, which is neutral and non-polar, at codon 1836 of the DST protein (p.Ile1836Met). In summary, the available evidence is currently insufficient to determine the role of this variant in disease. Therefore, it has been classified as a Variant of Uncertain Significance. Algorithms developed to predict the effect of missense changes on protein structure and function are either unavailable or do not agree on the potential impact of this missense change (SIFT: "Deleterious"; PolyPhen-2: "Benign"; Align-GVGD: "Class C0"). ClinVar contains an entry for this variant (Variation ID: 864168). This variant has not been reported in the literature in individuals affected with DST-related conditions. This variant is present in population databases (no rsID available, gnomAD 0.002%).